The following is an entry in ClinVar:

NM_001113378.2(FANCI):c.1361C>G (p.Ser454Cys)

Gene: FANCI (FA complementation group I; plus strand). Cytogenetic location: 15q26.1.
Variant type: single nucleotide variant.
Coding change: c.1361C>G on transcript NM_001113378.2 (MANE Select); coding-DNA position 1361, C replaced by G.
Protein change: p.Ser454Cys; replaces serine 454 with cysteine.
Molecular consequence: missense variant.
Genome position (GRCh38, 1-based): chr15:89,278,754, C>G. VCF-style: chr15-89278754-C-G. GRCh37 (hg19) VCF-style: chr15-89821985-C-G.
Other names: c.1082C>G, p.Ser361Cys (NM_001376910.1); c.1361C>G, p.Ser454Cys (NM_001376911.1, NM_018193.3); short protein forms S361C, S454C.
Identifiers: ClinVar variation 2415734 (VCV002415734.4), dbSNP rs143632975, ClinGen allele CA7722991.

ClinVar aggregate classification (germline): Uncertain significance. Review status: criteria provided, multiple submitters, no conflicts (2 of 4 stars). 2 submissions from 2 submitters: Uncertain significance (2). Last evaluated 2025-10-19.

Conditions:
Inborn genetic diseases. Identifiers: MedGen C0950123, MeSH D030342.
Fanconi anemia (FA). Also called: Fanconi's anemia. Identifiers: Orphanet 84, MedGen C0015625, MeSH D005199, MONDO:0019391.

Allele frequency attached by ClinVar (database versions not stated): gnomAD exomes below 0.00001; ExAC 0.00001; TOPMed 0.00002; gnomAD 0.00003; 1000 Genomes Project 0.00020; 1000 Genomes Project 30x 0.00031.
gnomAD v4.1: 5 of 1,613,454 alleles (0.00031%); highest among the groups gnomAD compares: African/African-American, 0.0067%; no homozygotes.

Submissions (2):

Labcorp Genetics (formerly Invitae), Labcorp
Classification: Uncertain significance for Fanconi anemia. Last evaluated: 2025-10-19. Review status: criteria provided, single submitter. Criteria: Invitae Variant Classification Sherloc (09022015). Collection method: clinical testing. Allele origin: germline.
Comment: This sequence change replaces serine, which is neutral and polar, with cysteine, which is neutral and slightly polar, at codon 454 of the FANCI protein (p.Ser454Cys). This variant is present in population databases (rs143632975, gnomAD 0.008%). This variant has not been reported in the literature in individuals affected with FANCI-related conditions. ClinVar contains an entry for this variant (Variation ID: 2415734). Invitae Evidence Modeling of protein sequence and biophysical properties (such as structural, functional, and spatial information, amino acid conservation, physicochemical variation, residue mobility, and thermodynamic stability) has been performed for this missense variant. However, the output from this modeling did not meet the statistical confidence thresholds required to predict the impact of this variant on FANCI protein function. Algorithms developed to predict the effect of sequence changes on RNA splicing suggest that this variant may disrupt the consensus splice site. In summary, the available evidence is currently insufficient to determine the role of this variant in disease. Therefore, it has been classified as a Variant of Uncertain Significance.

Ambry Genetics
Classification: Uncertain significance for Inborn genetic diseases. Last evaluated: 2025-10-15. Review status: criteria provided, single submitter. Criteria: Ambry Variant Classification Scheme 2023. Collection method: clinical testing. Allele origin: germline.